The following is an entry in ClinVar:

NM_005629.4(SLC6A8):c.913-5T>C

Gene: SLC6A8 (solute carrier family 6 member 8; plus strand). Cytogenetic location: Xq28.
Variant type: single nucleotide variant.
Coding change: c.913-5T>C on transcript NM_005629.4 (MANE Select); 5 bases into the intron before coding-DNA position 913, T replaced by C.
Molecular consequence: intron variant.
Genome position (GRCh38, 1-based): chrX:153,693,258, T>C. VCF-style: chrX-153693258-T-C. GRCh37 (hg19) VCF-style: chrX-152958713-T-C.
Other names: c.913-5T>C (NM_001142805.2); c.568-5T>C (NM_001142806.1).
Identifiers: ClinVar variation 4849111 (VCV004849111.1).

ClinVar aggregate classification (germline): Likely benign (1 of 4 stars; one submission).

Submission:

Women's Health and Genetics/Laboratory Corporation of America, LabCorp
Classification: Likely benign. Last evaluated: 2026-04-24. Review status: criteria provided, single submitter. Criteria: LabCorp Variant Classification Summary - May 2015. Collection method: clinical testing. Allele origin: germline.
Comment: Variant summary: SLC6A8 c.913-5T>C alters a non-conserved nucleotide located at a position not widely known to affect splicing. Consensus agreement among computation tools predict no significant impact on normal splicing. However, these predictions have yet to be confirmed by functional studies. The variant was absent in 182834 control chromosomes. The available data on variant occurrences in the general population are insufficient to allow any conclusion about variant significance. To our knowledge, no occurrence of c.913-5T>C in individuals affected with SLC6A8-related conditions and no experimental evidence demonstrating its impact on protein function have been reported. No submitters have cited clinical-significance assessments for this variant to ClinVar. Based on the evidence outlined above, the variant was classified as likely benign.